The following is an entry in ClinVar:

NM_002439.5(MSH3):c.1150G>A (p.Gly384Ser)

Gene: MSH3 (mutS homolog 3; plus strand). Cytogenetic location: 5q14.1.
Variant type: single nucleotide variant.
Coding change: c.1150G>A on transcript NM_002439.5 (MANE Select); coding-DNA position 1150, G replaced by A.
Protein change: p.Gly384Ser; replaces glycine 384 with serine.
Molecular consequence: missense variant.
Genome position (GRCh38, 1-based): chr5:80,675,105, G>A. VCF-style: chr5-80675105-G-A. GRCh37 (hg19) VCF-style: chr5-79970924-G-A.
Other names: c.1150G>A (NM_002439.3); short protein forms G384S.
Identifiers: ClinVar variation 948490 (VCV000948490.10), dbSNP rs1749811506, ClinGen allele CA360268299.

ClinVar aggregate classification (germline): Uncertain significance. Review status: criteria provided, multiple submitters, no conflicts (2 of 4 stars). 2 submissions from 2 submitters: Uncertain significance (2). Last evaluated 2024-08-22.

Conditions:
Hereditary cancer-predisposing syndrome. Also called: Hereditary neoplastic syndrome; Neoplastic Syndromes, Hereditary; Tumor predisposition; Hereditary Cancer Syndrome. Identifiers: Orphanet 140162, MedGen C0027672, MeSH D009386, MONDO:0015356.

Allele frequency attached by ClinVar (database versions not stated): gnomAD exomes below 0.00001.
gnomAD v4.1: 3 of 1,613,692 alleles (0.00019%); highest among the groups gnomAD compares: Non-Finnish European, 0.00017%; no homozygotes.

Submissions (2):

Labcorp Genetics (formerly Invitae), Labcorp
Classification: Uncertain significance. Last evaluated: 2024-08-22. Review status: criteria provided, single submitter. Criteria: Invitae Variant Classification Sherloc (09022015). Collection method: clinical testing. Allele origin: germline.
Comment: This sequence change replaces glycine, which is neutral and non-polar, with serine, which is neutral and polar, at codon 384 of the MSH3 protein (p.Gly384Ser). This variant is not present in population databases (gnomAD no frequency). This variant has not been reported in the literature in individuals affected with MSH3-related conditions. ClinVar contains an entry for this variant (Variation ID: 948490). An algorithm developed to predict the effect of missense changes on protein structure and function (PolyPhen-2) suggests that this variant is likely to be disruptive. In summary, the available evidence is currently insufficient to determine the role of this variant in disease. Therefore, it has been classified as a Variant of Uncertain Significance.

Ambry Genetics
Classification: Uncertain significance for Hereditary cancer-predisposing syndrome. Last evaluated: 2024-03-25. Review status: criteria provided, single submitter. Criteria: Ambry Variant Classification Scheme 2023. Collection method: clinical testing. Allele origin: germline.
Comment: The p.G384S variant (also known as c.1150G>A), located in coding exon 7 of the MSH3 gene, results from a G to A substitution at nucleotide position 1150. The glycine at codon 384 is replaced by serine, an amino acid with similar properties. This amino acid position is conserved. In addition, the in silico prediction for this alteration is inconclusive. Based on the available evidence, the clinical significance of this alteration remains unclear.